The following is an entry in ClinVar:

ClinVar aggregate classification (germline): Uncertain significance (1 of 4 stars; one submission).

Conditions:
RASopathy. Also called: Noonan spectrum disorder; rasopathies. Identifiers: Orphanet 536391, MedGen C5555857, MONDO:0021060.

gnomAD v4.1: 2 of 1,614,160 alleles (0.00012%); highest among the groups gnomAD compares: South Asian, 0.0022%; no homozygotes.

Submission:

Labcorp Genetics (formerly Invitae), Labcorp
Classification: Uncertain significance for RASopathy. Last evaluated: 2025-11-13. Review status: criteria provided, single submitter. Criteria: Invitae Variant Classification Sherloc (09022015). Collection method: clinical testing. Allele origin: germline.
Comment: This sequence change falls in intron 13 of the PTPN11 gene. It does not directly change the encoded amino acid sequence of the PTPN11 protein. It affects a nucleotide within the consensus splice site. This variant is not present in population databases (gnomAD no frequency). This variant has not been reported in the literature in individuals affected with PTPN11-related conditions. Variants that disrupt the consensus splice site are a relatively common cause of aberrant splicing (PMID: 17576681, 9536098). Algorithms developed to predict the effect of sequence changes on RNA splicing suggest that this variant is not likely to affect RNA splicing. In summary, the available evidence is currently insufficient to determine the role of this variant in disease. Therefore, it has been classified as a Variant of Uncertain Significance.

Literature cited by the submitters: PubMed 17576681; PubMed 9536098.

NM_002834.5(PTPN11):c.1599+4C>T

Gene: PTPN11 (protein tyrosine phosphatase non-receptor type 11; plus strand). Cytogenetic location: 12q24.13.
Variant type: single nucleotide variant.
Coding change: c.1599+4C>T on transcript NM_002834.5 (MANE Select); 4 bases into the intron after coding-DNA position 1599, C replaced by T.
Molecular consequence: intron variant.
Genome position (GRCh38, 1-based): chr12:112,489,179, C>T. VCF-style: chr12-112489179-C-T. GRCh37 (hg19) VCF-style: chr12-112926983-C-T.
Other names: c.1611+4C>T (NM_001330437.2); c.1596+4C>T (NM_001374625.1).
Identifiers: ClinVar variation 4797829 (VCV004797829.1).